The following is an entry in ClinVar:

NC_000023.10:g.(?_31645770)_(31645999_?)del

Gene: DMD (dystrophin; minus strand). Cytogenetic location: Xp21.1.
Variant type: Deletion.
Identifiers: ClinVar variation 2424817 (VCV002424817.4).

ClinVar aggregate classification (germline): Pathogenic (1 of 4 stars; one submission).

Conditions:
Duchenne muscular dystrophy (DMD). Also called: Duchenne Muscular Dystrophy (DMD); MUSCULAR DYSTROPHY, PSEUDOHYPERTROPHIC PROGRESSIVE, DUCHENNE TYPE. Identifiers: Orphanet 98896, MedGen C0013264, MONDO:0010679, OMIM 310200.

Submission:

Labcorp Genetics (formerly Invitae), Labcorp
Classification: Pathogenic for Duchenne muscular dystrophy. Last evaluated: 2022-06-07. Review status: criteria provided, single submitter. Criteria: Invitae Variant Classification Sherloc (09022015). Collection method: clinical testing. Allele origin: germline.
Comment: This variant is a gross deletion of the genomic region encompassing exon(s) 55 of the DMD gene. This deletion is out-of-frame, and is expected to create a premature termination codon and result in an absent or disrupted protein product. Loss-of-function variants in DMD are known to be pathogenic (PMID: 16770791, 25007885). A similar copy number variant has been observed in individuals with DMD-related conditions (PMID: 20683981, 21896784, 22090376). For these reasons, this variant has been classified as Pathogenic.

Literature cited by the submitters: PubMed 16770791; PubMed 25007885; PubMed 20683981; PubMed 21896784; PubMed 22090376.